The following is an entry in ClinVar:

ClinVar aggregate classification (germline): Likely benign. Review status: criteria provided, multiple submitters, no conflicts (2 of 4 stars). 3 submissions from 3 submitters: Likely benign (3). Last evaluated 2026-07-01.

Conditions:
Muscular dystrophy-dystroglycanopathy (congenital with brain and eye anomalies), type A, 7. Also called: WALKER-WARBURG SYNDROME OR MUSCLE-EYE-BRAIN DISEASE, ISPD-RELATED; Congenital muscular dystrophy-dystroglycanopathy with brain and eye anomalies, type A7. Identifiers: Orphanet 899, MedGen C3553330, MONDO:0013835, OMIM 614643.
Autosomal recessive limb-girdle muscular dystrophy type 2U. Also called: Muscular dystrophy-dystroglycanopathy (limb-girdle), type c, 7; MUSCULAR DYSTROPHY, LIMB-GIRDLE, TYPE 2U. Identifiers: Orphanet 352479, MedGen C5190987, MONDO:0014474, OMIM 616052.

gnomAD v4.1: 18 of 1,613,424 alleles (0.0011%); highest among the groups gnomAD compares: Non-Finnish European, 0.0014%; no homozygotes.

Submissions (3):

CeGaT Center for Human Genetics Tuebingen
Classification: Likely benign. Last evaluated: 2026-07-01. Review status: criteria provided, single submitter. Criteria: CeGaT Center For Human Genetics Tuebingen Variant Classification Criteria Version 2. Collection method: clinical testing. Allele origin: germline. Affected: yes. Observed: 1 variant allele.
Comment: CRPPA: BP4, BP7

Labcorp Genetics (formerly Invitae), Labcorp
Classification: Likely benign for Muscular dystrophy-dystroglycanopathy (congenital with brain and eye anomalies), type A, 7; Autosomal recessive limb-girdle muscular dystrophy type 2U. Last evaluated: 2025-09-16. Review status: criteria provided, single submitter. Criteria: Invitae Variant Classification Sherloc (09022015). Collection method: clinical testing. Allele origin: germline.

Blueprint Genetics
Classification: Likely benign. Last evaluated: 2024-06-19. Review status: criteria provided, single submitter. Criteria: ACMG Guidelines, 2015. Collection method: clinical testing. Allele origin: germline.

NM_001101426.4(CRPPA):c.585T>G (p.Ala195=)

Gene: CRPPA (CDP-L-ribitol pyrophosphorylase A; minus strand). Cytogenetic location: 7p21.2.
Variant type: single nucleotide variant.
Coding change: c.585T>G on transcript NM_001101426.4 (MANE Select); coding-DNA position 585, T replaced by G.
Protein change: p.Ala195=; no amino-acid change (alanine 195 retained).
Molecular consequence: synonymous variant. On other transcripts: non-coding transcript variant (1), intron variant (1).
Genome position (GRCh38, 1-based): chr7:16,376,191, A>C on the plus strand (T>G on the coding strand, the complement: CRPPA is on the minus strand). VCF-style: chr7-16376191-A-C. GRCh37 (hg19) VCF-style: chr7-16415816-A-C.
Other names: c.585T>G, p.Ala195= (NM_001368197.1); c.534+29870T>G (NM_001101417.4).
Identifiers: ClinVar variation 2198473 (VCV002198473.6), dbSNP rs769041714, ClinGen allele CA4169565.